The following is an entry in ClinVar:

ClinVar aggregate classification (germline): Uncertain significance. Review status: criteria provided, multiple submitters, no conflicts (2 of 4 stars). 2 submissions from 2 submitters: Uncertain significance (2). Last evaluated 2024-10-01.

Conditions:
Centromeric instability of chromosomes 1,9 and 16 and immunodeficiency (ICF1). Also called: IMMUNE DEFICIENCY, VARIABLE, WITH CENTROMERIC INSTABILITY OF CHROMOSOMES 1, 9, AND 16; IMMUNODEFICIENCY SYNDROME, VARIABLE; CENTROMERIC INSTABILITY, IMMUNODEFICIENCY SYNDROME; Immunodeficiency-centromeric instability-facial anomalies. Identifiers: Orphanet 2268, MedGen C0398788, MONDO:0000133.
Inborn genetic diseases. Identifiers: MedGen C0950123, MeSH D030342.

Allele frequency attached by ClinVar (database versions not stated): gnomAD 0.00001.
gnomAD v4.1: 3 of 1,614,104 alleles (0.00019%); highest among the groups gnomAD compares: African/African-American, 0.004%; no homozygotes.

Submissions (2):

Ambry Genetics
Classification: Uncertain significance for Inborn genetic diseases. Last evaluated: 2024-10-01. Review status: criteria provided, single submitter. Criteria: Ambry Variant Classification Scheme 2023. Collection method: clinical testing. Allele origin: germline.

Labcorp Genetics (formerly Invitae), Labcorp
Classification: Uncertain significance for Centromeric instability of chromosomes 1,9 and 16 and immunodeficiency. Last evaluated: 2022-10-19. Review status: criteria provided, single submitter. Criteria: Invitae Variant Classification Sherloc (09022015). Collection method: clinical testing. Allele origin: germline.
Comment: This sequence change replaces glycine, which is neutral and non-polar, with valine, which is neutral and non-polar, at codon 339 of the DNMT3B protein (p.Gly339Val). The frequency data for this variant in the population databases is considered unreliable, as metrics indicate poor data quality at this position in the gnomAD database. This variant has not been reported in the literature in individuals affected with DNMT3B-related conditions. ClinVar contains an entry for this variant (Variation ID: 658822). Advanced modeling of protein sequence and biophysical properties (such as structural, functional, and spatial information, amino acid conservation, physicochemical variation, residue mobility, and thermodynamic stability) performed at Invitae indicates that this missense variant is expected to disrupt DNMT3B protein function. In summary, the available evidence is currently insufficient to determine the role of this variant in disease. Therefore, it has been classified as a Variant of Uncertain Significance.

NM_006892.4(DNMT3B):c.1016G>T (p.Gly339Val)

Gene: DNMT3B (DNA methyltransferase 3 beta; plus strand). Cytogenetic location: 20q11.21.
Variant type: single nucleotide variant.
Coding change: c.1016G>T on transcript NM_006892.4 (MANE Select); coding-DNA position 1016, G replaced by T.
Protein change: p.Gly339Val; replaces glycine 339 with valine.
Molecular consequence: missense variant.
Genome position (GRCh38, 1-based): chr20:32,792,720, G>T. VCF-style: chr20-32792720-G-T. GRCh37 (hg19) VCF-style: chr20-31380526-G-T.
Other names: c.890G>T, p.Gly297Val (NM_001207055.2); c.788G>T, p.Gly263Val (NM_001207056.2); c.1016G>T, p.Gly339Val (NM_175848.2, NM_175849.2); c.1052G>T, p.Gly351Val (NM_175850.3); short protein forms G263V, G297V, G351V, G339V.
Identifiers: ClinVar variation 658822 (VCV000658822.9), dbSNP rs754921958, ClinGen allele CA9810372.